The following is an entry in ClinVar:

NM_002858.4(ABCD3):c.1809C>T (p.Val603=)

Gene: ABCD3 (ATP binding cassette subfamily D member 3; plus strand). Cytogenetic location: 1p21.3.
Variant type: single nucleotide variant.
Coding change: c.1809C>T on transcript NM_002858.4 (MANE Select); coding-DNA position 1809, C replaced by T.
Protein change: p.Val603=; no amino-acid change (valine 603 retained).
Molecular consequence: synonymous variant.
Genome position (GRCh38, 1-based): chr1:94,506,606, C>T. VCF-style: chr1-94506606-C-T. GRCh37 (hg19) VCF-style: chr1-94972162-C-T.
Identifiers: ClinVar variation 4989703 (VCV004989703.1).
Genomic context (GRCh38, chr1:94,506,606, plus strand): 5'-ATTATTTTATCATAAACCCCAGTTTGCCATTTTGGATGAATGCACAAGTGCAGTTAGTGT[C>T]GACGTGGAAGGCTACATTTATAGTCATTGTCGAAAGGTAAGTACGCAGGTGCTCAGTTTG-3'
Protein context (NP_002849.1, residues 593-613): ILDECTSAVS[Val603=]DVEGYIYSHC

ClinVar aggregate classification (germline): Likely benign (1 of 4 stars; one submission).

Conditions:
ABCD3-related disorder. Also called: ABCD3-related condition.

gnomAD v4.1: 28 of 1,612,698 alleles (0.0017%); highest among the groups gnomAD compares: African/African-American, 0.021%; no homozygotes.

Submission:

PreventionGenetics, part of Exact Sciences
Classification: Likely benign for ABCD3-related condition. Last evaluated: 2026-06-09. Review status: criteria provided, single submitter. Criteria: ACMG Guidelines, 2015. Collection method: clinical testing. Allele origin: germline.
Comment: This variant is classified as likely benign based on ACMG/AMP sequence variant interpretation guidelines (Richards et al. 2015 PMID: 25741868, with internal and published modifications).